The following is an entry in ClinVar:

NM_006031.6(PCNT):c.5592A>G (p.Lys1864=)

Gene: PCNT (pericentrin; plus strand). Cytogenetic location: 21q22.3.
Variant type: single nucleotide variant.
Coding change: c.5592A>G on transcript NM_006031.6 (MANE Select); coding-DNA position 5592, A replaced by G.
Protein change: p.Lys1864=; no amino-acid change (lysine 1864 retained).
Molecular consequence: synonymous variant.
Genome position (GRCh38, 1-based): chr21:46,411,665, A>G. VCF-style: chr21-46411665-A-G. GRCh37 (hg19) VCF-style: chr21-47831579-A-G.
Other names: c.5238A>G, p.Lys1746= (NM_001315529.2); c.5592A>G (NM_006031.5).
Identifiers: ClinVar variation 2899986 (VCV002899986.4), dbSNP rs374940410, ClinGen allele CA10080034.
Genomic context (GRCh38, chr21:46,411,665, plus strand): 5'-CAGGGAGGCTGAGGTCGAAGACATGGCCTCCCGGATCCAGGAGTTCGAAGCGGCCCTGAA[A>G]GCAAAGGAAGCGACGATTGCCGAGAGAAATTTAGAAATCGACGCTCTGAACCAGCGGAAG-3'
Protein context (NP_006022.3, residues 1854-1874): SRIQEFEAAL[Lys1864=]AKEATIAERN

ClinVar aggregate classification (germline): Likely benign. Review status: criteria provided, single submitter (1 of 4 stars). 2 submissions from 2 submitters: Likely benign (1). 1 of the submissions does not count toward it. Last evaluated 2024-02-07.

Conditions:
PCNT-related disorder. Also called: PCNT-related condition.

Allele frequency attached by ClinVar (database versions not stated): gnomAD exomes below 0.00001; ExAC 0.00003; gnomAD 0.00005; TOPMed 0.00005; ESP Exome Variant Server 0.00008; 1000 Genomes Project 0.00040; 1000 Genomes Project 30x 0.00047.
gnomAD v4.1: 12 of 1,613,046 alleles (0.00074%); highest among the groups gnomAD compares: African/African-American, 0.015%; no homozygotes.

Submissions (2):

Labcorp Genetics (formerly Invitae), Labcorp
Classification: Likely benign. Last evaluated: 2024-02-07. Review status: criteria provided, single submitter. Criteria: Invitae Variant Classification Sherloc (09022015). Collection method: clinical testing. Allele origin: germline.

PreventionGenetics, part of Exact Sciences
Classification: Likely benign for PCNT-related condition. Last evaluated: 2021-09-10. Review status: no assertion criteria provided. Collection method: clinical testing. Allele origin: germline. Not counted in ClinVar's aggregate classification.
Comment: This variant is classified as likely benign based on ACMG/AMP sequence variant interpretation guidelines (Richards et al. 2015 PMID: 25741868, with internal and published modifications).